The following is an entry in ClinVar:

ClinVar aggregate classification (germline): Uncertain significance (1 of 4 stars; one submission).

Conditions:
Hereditary cancer-predisposing syndrome. Also called: Neoplastic Syndromes, Hereditary; Tumor predisposition; Hereditary neoplastic syndrome; Hereditary Cancer Syndrome. Identifiers: Orphanet 140162, MedGen C0027672, MeSH D009386, MONDO:0015356.

Submission:

Ambry Genetics
Classification: Uncertain significance for Hereditary cancer-predisposing syndrome. Last evaluated: 2025-05-22. Review status: criteria provided, single submitter. Criteria: Ambry Variant Classification Scheme 2023. Collection method: clinical testing. Allele origin: germline.
Comment: The p.A541G variant (also known as c.1622C>G), located in coding exon 8 of the ALK gene, results from a C to G substitution at nucleotide position 1622. The alanine at codon 541 is replaced by glycine, an amino acid with similar properties. This amino acid position is conserved. In addition, this alteration is predicted to be tolerated by in silico analysis. Based on the available evidence, the clinical significance of this variant remains unclear.

NM_004304.5(ALK):c.1622C>G (p.Ala541Gly)

Gene: ALK (ALK receptor tyrosine kinase; minus strand). Cytogenetic location: 2p23.2.
Variant type: single nucleotide variant.
Coding change: c.1622C>G on transcript NM_004304.5 (MANE Select); coding-DNA position 1622, C replaced by G.
Protein change: p.Ala541Gly; replaces alanine 541 with glycine.
Molecular consequence: missense variant.
Genome position (GRCh38, 1-based): chr2:29,318,329, G>C on the plus strand (C>G on the coding strand, the complement: ALK is on the minus strand). VCF-style: chr2-29318329-G-C. GRCh37 (hg19) VCF-style: chr2-29541195-G-C.
Other names: short protein forms A541G.
Identifiers: ClinVar variation 4041017 (VCV004041017.1).
Genomic context (GRCh38, chr2:29,318,329, plus strand): 5'-AGAAATTAGAGAACTAGAGAAACAAGGAGACTTGCCTCACATGGAGAGCTCTTGATCGGT[G>C]CAGGAAACGTAGCACTGGTCACTGTAGCACTTTCAGAAGCGGGGACATCAGTGGTACTGA-3'
Protein context (NP_004295.2, residues 531-551): SATVTSATFP[Ala541Gly]PIKSSPCELR